The following is an entry in ClinVar:

NM_001206744.2(TPO):c.1335C>T (p.His445=)

Gene: TPO (thyroid peroxidase; plus strand). Cytogenetic location: 2p25.3.
Variant type: single nucleotide variant.
Coding change: c.1335C>T on transcript NM_001206744.2 (MANE Select); coding-DNA position 1335, C replaced by T.
Protein change: p.His445=; no amino-acid change (histidine 445 retained).
Molecular consequence: synonymous variant. On other transcripts: intron variant (1).
Genome position (GRCh38, 1-based): chr2:1,477,601, C>T. VCF-style: chr2-1477601-C-T. GRCh37 (hg19) VCF-style: chr2-1481373-C-T.
Other names: c.1335C>T (NM_000547.5); c.1335C>T, p.His445= (NM_000547.6, NM_001206745.2, NM_175719.4 and 1 more transcripts); c.820-6995C>T (NM_175722.3).
Identifiers: ClinVar variation 3006006 (VCV003006006.4), dbSNP rs1573351960, ClinGen allele CA424502110.
Genomic context (GRCh38, chr2:1,477,601, plus strand): 5'-TGCGCACTGGAGCGCGGACGCCGTGTACCAGGAGGCGCGCAAGGTCGTGGGCGCTCTGCA[C>T]CAGGTGCGCGGGGTGGTCCTGGGCGCCCTGGGTGGCTGCGGGCAAAGCGGGGGGCGCCTC-3'
Protein context (NP_001193673.1, residues 435-455): QEARKVVGAL[His445=]QIITLRDYIP

ClinVar aggregate classification (germline): Likely benign. Review status: criteria provided, multiple submitters, no conflicts (2 of 4 stars). 2 submissions from 2 submitters: Likely benign (2). Last evaluated 2025-07-17.

Conditions:
TPO-related disorder. Also called: TPO-related condition.

Allele frequency attached by ClinVar (database versions not stated): TOPMed below 0.00001.

Submissions (2):

PreventionGenetics, part of Exact Sciences
Classification: Likely benign for TPO-related condition. Last evaluated: 2025-07-17. Review status: criteria provided, single submitter. Criteria: ACMG Guidelines, 2015. Collection method: clinical testing. Allele origin: germline.
Comment: This variant is classified as likely benign based on ACMG/AMP sequence variant interpretation guidelines (Richards et al. 2015 PMID: 25741868, with internal and published modifications).

Labcorp Genetics (formerly Invitae), Labcorp
Classification: Likely benign. Last evaluated: 2023-05-24. Review status: criteria provided, single submitter. Criteria: Invitae Variant Classification Sherloc (09022015). Collection method: clinical testing. Allele origin: germline.